The following is an entry in ClinVar:

ClinVar aggregate classification (germline): Uncertain significance. Review status: criteria provided, multiple submitters, no conflicts (2 of 4 stars). 3 submissions from 3 submitters: Uncertain significance (3). Last evaluated 2026-09-08.

Conditions:
Fabry disease. Also called: Fabry's disease; GLA DEFICIENCY; HEREDITARY DYSTOPIC LIPIDOSIS; ANDERSON-FABRY DISEASE; CERAMIDE TRIHEXOSIDASE DEFICIENCY; Ceramide trihexosidosis. Identifiers: Orphanet 324, MedGen C0002986, MONDO:0010526, OMIM 301500, HP:0001071. Disease mechanism: loss of function, Fabry disease is due to inactivating mutations in the X-linked GLA gene resulting in deficiency of the enzyme Alpha Galactosidase-A..

Allele frequency attached by ClinVar (database versions not stated): gnomAD exomes below 0.00001.
gnomAD v4.1: 4 of 1,210,898 alleles (0.00033%); highest among the groups gnomAD compares: Non-Finnish European, 0.00045%; no homozygotes.

Submissions (3):

Genomenon, Inc
Classification: Uncertain significance for Fabry disease. Last evaluated: 2026-09-08. Review status: criteria provided, single submitter. Criteria: Genomenon Sequence Variant Interpretation Standards - Updated. Collection method: curation. Allele origin: germline. Affected: no.
Comment: GLA p.Asp264Asn (c.790G>A) is a missense variant that changes the amino acid at codon 264 from Aspartic acid to Asparagine. This variant has been reported in the published literature (PMID:37441486;23935525). This variant is located in a mutational hotspot and/or important functional domain. It is absent or not present at a significant frequency in gnomAD. In silico models predict that this variant is possibly or probably damaging. In conclusion, we classify GLA p.Asp264Asn (c.790G>A) as a variant of uncertain significance.

Labcorp Genetics (formerly Invitae), Labcorp
Classification: Uncertain significance for Fabry disease. Last evaluated: 2025-10-07. Review status: criteria provided, single submitter. Criteria: Invitae Variant Classification Sherloc (09022015). Collection method: clinical testing. Allele origin: germline.
Comment: This sequence change replaces aspartic acid, which is acidic and polar, with asparagine, which is neutral and polar, at codon 264 of the GLA protein (p.Asp264Asn). This variant is present in population databases (no rsID available, gnomAD 0.001%). This variant has not been reported in the literature in individuals affected with GLA-related conditions. ClinVar contains an entry for this variant (Variation ID: 2154757). Invitae Evidence Modeling of protein sequence and biophysical properties (such as structural, functional, and spatial information, amino acid conservation, physicochemical variation, residue mobility, and thermodynamic stability) indicates that this missense variant is expected to disrupt GLA protein function with a positive predictive value of 80%. Experimental studies have shown that this missense change affects GLA function (PMID: 23935525). This variant disrupts the p.Asp264 amino acid residue in GLA. Other variant(s) that disrupt this residue have been determined to be pathogenic (PMID: 7504405, 9116979, 19387866, 21598360). This suggests that this residue is clinically significant, and that variants that disrupt this residue are likely to be disease-causing. In summary, the available evidence is currently insufficient to determine the role of this variant in disease. Therefore, it has been classified as a Variant of Uncertain Significance.

All of Us Research Program, National Institutes of Health
Classification: Uncertain significance for Fabry disease. Last evaluated: 2023-08-28. Review status: criteria provided, single submitter. Criteria: ACMG Guidelines, 2015. Collection method: clinical testing. Allele origin: germline. Inheritance: X-linked inheritance. Observed: 1 variant allele, 1 heterozygote.
Comment: This missense variant replaces aspartic acid with asparagine at codon 264 of the GLA protein. Computational prediction suggests that this variant may have a deleterious impact on protein structure and function (internally defined REVEL score threshold >= 0.7, PMID: 27666373). Functional studies have shown that this variant causes a significant reduction in GLA enzyme activity (PMID: 23935525). To our knowledge, this variant has not been reported in individuals affected with GLA-related disorders in the literature. This variant has been identified in 1/183472 chromosomes in the general population by the Genome Aggregation Database (gnomAD). Different missense variants affecting the same codon, p.Asp264Tyr and p.Asp264Val, are considered to be disease-causing (ClinVar variation ID: 222393 and 10734), suggesting that aspartic acid at this position is important for GLA protein function. The available evidence is insufficient to determine the role of this variant in disease conclusively. Therefore, this variant is classified as a Variant of Uncertain Significance.

This study involves interpretation of variants in research participants for the purpose of population health screening. Participant phenotype was not available at the time of variant classification. Additional details can be found in publication PMID: 35346344, PMCID: PMC8962531

Literature cited by the submitters: PubMed 37441486 (cited by Genomenon, Inc); PubMed 23935525 (cited by 3 submitters); PubMed 7504405 (cited by Labcorp Genetics (formerly Invitae), Labcorp); PubMed 9116979 (cited by Labcorp Genetics (formerly Invitae), Labcorp); PubMed 19387866 (cited by Labcorp Genetics (formerly Invitae), Labcorp); PubMed 21598360 (cited by Labcorp Genetics (formerly Invitae), Labcorp).

NM_000169.3(GLA):c.790G>A (p.Asp264Asn)

Genes: RPL36A-HNRNPH2 (RPL36A-HNRNPH2 readthrough; plus strand), GLA (galactosidase alpha; minus strand). Cytogenetic location: Xq22.1.
Variant type: single nucleotide variant.
Coding change: c.790G>A on transcript NM_000169.3 (MANE Select); coding-DNA position 790, G replaced by A.
Protein change: p.Asp264Asn; replaces aspartic acid 264 with asparagine.
Molecular consequence: missense variant. On other transcripts: non-coding transcript variant (3), intron variant (2).
Genome position (GRCh38, 1-based): chrX:101,398,796, C>T on the plus strand (G>A on the coding strand, the complement: GLA is on the minus strand). VCF-style: chrX-101398796-C-T. GRCh37 (hg19) VCF-style: chrX-100653784-C-T.
Other names: c.913G>A, p.Asp305Asn (NM_001406747.1); c.790G>A, p.Asp264Asn (NM_001406748.1); c.300+3339C>T (NM_001199973.2); c.177+6974C>T (NM_001199974.2); short protein forms D305N, D264N.
Identifiers: ClinVar variation 2154757 (VCV002154757.7), dbSNP rs190347120, ClinGen allele CA413923869.